The following is an entry in ClinVar:

NM_005591.4(MRE11):c.*2501A>G

Gene: MRE11 (MRE11 double strand break repair nuclease; minus strand). Cytogenetic location: 11q21.
Variant type: single nucleotide variant.
Coding change: c.*2501A>G on transcript NM_005591.4 (MANE Select); 2501 bases downstream of the stop codon, A replaced by G.
Molecular consequence: 3 prime UTR variant.
Genome position (GRCh38, 1-based): chr11:94,417,624, T>C on the plus strand (A>G on the coding strand, the complement: MRE11 is on the minus strand). VCF-style: chr11-94417624-T-C. GRCh37 (hg19) VCF-style: chr11-94150790-T-C.
Other names: NC_000011.9:g.94150790T>C; c.*2501A>G (NM_001330347.2, NM_005590.4).
Identifiers: ClinVar variation 306450 (VCV000306450.7), dbSNP rs2155209, ClinGen allele CA10631721.

ClinVar aggregate classification (germline): Benign. Review status: criteria provided, multiple submitters, no conflicts (2 of 4 stars). 2 submissions from 2 submitters: Benign (2). Last evaluated 2020-10-29.

Conditions:
Ataxia-telangiectasia-like disorder 1 (ATLD1). Identifiers: Orphanet 251347, MedGen C4012790, MONDO:0024557, OMIM 604391.

Allele frequency attached by ClinVar (database versions not stated): 1000 Genomes Project 30x 0.22720; 1000 Genomes Project 0.23423; TOPMed 0.26784; gnomAD 0.27131 and 0.27303; gnomAD exomes 0.31381.
gnomAD v4.1: 66,849 of 232,864 alleles (29%); highest among the groups gnomAD compares: Non-Finnish European, 34%; 10,412 homozygotes.

Submissions (3):

GeneDx
Classification: Benign. Last evaluated: 2020-10-29. Review status: criteria provided, single submitter. Criteria: GeneDx Variant Classification Process June 2021. Collection method: clinical testing. Allele origin: germline. Affected: yes.
Comment: This variant is associated with the following publications: (PMID: 26735576)

Illumina Laboratory Services, Illumina
Classification: Benign for Ataxia-telangiectasia-like disorder 1. Last evaluated: 2018-01-12. Review status: criteria provided, single submitter. Criteria: ICSL Variant Classification Criteria 13 December 2019. Collection method: clinical testing. Allele origin: germline.
Comment: This variant was observed in the ICSL laboratory as part of a predisposition screen in an ostensibly healthy population. It had not been previously curated by ICSL or reported in the Human Gene Mutation Database (HGMD: prior to June 1st, 2018), and was therefore a candidate for classification through an automated scoring system. Utilizing variant allele frequency, disease prevalence and penetrance estimates, and inheritance mode, an automated score was calculated to assess if this variant is too frequent to cause the disease. Based on the score and internal cut-off values, a variant classified as benign is not then subjected to further curation. The score for this variant resulted in a classification of benign for this disease.

Dr. Peter K. Rogan Lab, Western University
No classification provided (evidence only). Condition: Uterine carcinosarcoma. Review status: no classification provided. Collection method: in vitro. Allele origin: not applicable. Functional consequence: retained intron. Not counted in ClinVar's aggregate classification.